The following is an entry in ClinVar:

ClinVar aggregate classification (germline): Uncertain significance. Review status: criteria provided, multiple submitters, no conflicts (2 of 4 stars). 3 submissions from 3 submitters: Uncertain significance (3). Last evaluated 2025-06-10.

Conditions:
Hereditary cancer-predisposing syndrome. Also called: Hereditary Cancer Syndrome; Neoplastic Syndromes, Hereditary; Hereditary neoplastic syndrome; Tumor predisposition. Identifiers: Orphanet 140162, MedGen C0027672, MeSH D009386, MONDO:0015356.
BAP1-related tumor predisposition syndrome (TPDS1). Also called: TUMOR PREDISPOSITION SYNDROME 1; COMMON Syndrome; BAP1 tumor predisposition syndrome; Tumor susceptibility linked to germline BAP1 mutations. Identifiers: Orphanet 289539, MedGen C3280492, MONDO:0013692, OMIM 614327.

Submissions (3):

GeneDx
Classification: Uncertain significance. Last evaluated: 2025-06-10. Review status: criteria provided, single submitter. Criteria: GeneDx Variant Classification Process June 2021. Collection method: clinical testing. Allele origin: germline. Affected: yes.
Comment: Not observed at significant frequency in large population cohorts (gnomAD); In silico analysis supports that this missense variant has a deleterious effect on protein structure/function; Has not been previously published as pathogenic or benign to our knowledge; In silico analysis suggests this variant may impact gene splicing. In the absence of RNA/functional studies, the actual effect of this sequence change is unknown.

Ambry Genetics
Classification: Uncertain significance for Hereditary cancer-predisposing syndrome. Last evaluated: 2023-12-29. Review status: criteria provided, single submitter. Criteria: Ambry Variant Classification Scheme 2023. Collection method: clinical testing. Allele origin: germline.
Comment: The p.N670K variant (also known as c.2010C>G), located in coding exon 16 of the BAP1 gene, results from a C to G substitution at nucleotide position 2010. The asparagine at codon 670 is replaced by lysine, an amino acid with similar properties. This amino acid position is conserved. In addition, this alteration is predicted to be tolerated by in silico analysis. Since supporting evidence is limited at this time, the clinical significance of this alteration remains unclear.

Labcorp Genetics (formerly Invitae), Labcorp
Classification: Uncertain significance for BAP1-related tumor predisposition syndrome. Last evaluated: 2023-08-07. Review status: criteria provided, single submitter. Criteria: Invitae Variant Classification Sherloc (09022015). Collection method: clinical testing. Allele origin: germline.
Comment: In summary, the available evidence is currently insufficient to determine the role of this variant in disease. Therefore, it has been classified as a Variant of Uncertain Significance. Algorithms developed to predict the effect of sequence changes on RNA splicing suggest that this variant may create or strengthen a splice site. Advanced modeling of protein sequence and biophysical properties (such as structural, functional, and spatial information, amino acid conservation, physicochemical variation, residue mobility, and thermodynamic stability) performed at Invitae indicates that this missense variant is expected to disrupt BAP1 protein function. This variant has not been reported in the literature in individuals affected with BAP1-related conditions. This variant is not present in population databases (gnomAD no frequency). This sequence change replaces asparagine, which is neutral and polar, with lysine, which is basic and polar, at codon 670 of the BAP1 protein (p.Asn670Lys).

NM_004656.4(BAP1):c.2010C>G (p.Asn670Lys)

Gene: BAP1 (BRCA1 associated deubiquitinase 1; minus strand). Cytogenetic location: 3p21.1.
Variant type: single nucleotide variant.
Coding change: c.2010C>G on transcript NM_004656.4 (MANE Select); coding-DNA position 2010, C replaced by G.
Protein change: p.Asn670Lys; replaces asparagine 670 with lysine.
Molecular consequence: missense variant.
Genome position (GRCh38, 1-based): chr3:52,402,648, G>C on the plus strand (C>G on the coding strand, the complement: BAP1 is on the minus strand). VCF-style: chr3-52402648-G-C. GRCh37 (hg19) VCF-style: chr3-52436664-G-C.
Other names: c.2010C>G (NM_004656.3); c.1956C>G, p.Asn652Lys (NM_001410772.1); short protein forms N652K, N670K.
Identifiers: ClinVar variation 2740793 (VCV002740793.5), dbSNP rs2153226209, ClinGen allele CA353096300.